The following is an entry in ClinVar:

NM_000541.5(SAG):c.985G>A (p.Val329Met)

Gene: SAG (S-antigen visual arrestin; plus strand). Cytogenetic location: 2q37.1.
Variant type: single nucleotide variant.
Coding change: c.985G>A on transcript NM_000541.5 (MANE Select); coding-DNA position 985, G replaced by A.
Protein change: p.Val329Met; replaces valine 329 with methionine.
Molecular consequence: missense variant.
Genome position (GRCh38, 1-based): chr2:233,338,716, G>A. VCF-style: chr2-233338716-G-A. GRCh37 (hg19) VCF-style: chr2-234247362-G-A.
Other names: short protein forms V329M.
Identifiers: ClinVar variation 845884 (VCV000845884.9), dbSNP rs1452691241, ClinGen allele CA351048922.
Genomic context (GRCh38, chr2:233,338,716, plus strand): 5'-TTTCCCTTCTGTTTGGGCAGCATTAAGGAGGGCATAGACCGGACCGTCCTGGGAATCCTG[G>A]TGTCTTACCAGATCAAGGTGAAGCTCACAGTGTCAGGGTAAGTGTCCCGGCACCAACCCT-3'
Protein context (NP_000532.2, residues 319-339): GIDRTVLGIL[Val329Met]SYQIKVKLTV

ClinVar aggregate classification (germline): Uncertain significance (1 of 4 stars; one submission).

Allele frequency attached by ClinVar (database versions not stated): TOPMed below 0.00001; gnomAD 0.00001.

Submission:

Labcorp Genetics (formerly Invitae), Labcorp
Classification: Uncertain significance. Last evaluated: 2025-09-23. Review status: criteria provided, single submitter. Criteria: Invitae Variant Classification Sherloc (09022015). Collection method: clinical testing. Allele origin: germline.
Comment: This sequence change replaces valine, which is neutral and non-polar, with methionine, which is neutral and non-polar, at codon 329 of the SAG protein (p.Val329Met). This variant is present in population databases (no rsID available, gnomAD 0.007%). This variant has not been reported in the literature in individuals affected with SAG-related conditions. ClinVar contains an entry for this variant (Variation ID: 845884). Invitae Evidence Modeling of protein sequence and biophysical properties (such as structural, functional, and spatial information, amino acid conservation, physicochemical variation, residue mobility, and thermodynamic stability) indicates that this missense variant is expected to disrupt SAG protein function with a positive predictive value of 80%. In summary, the available evidence is currently insufficient to determine the role of this variant in disease. Therefore, it has been classified as a Variant of Uncertain Significance.